The following is an entry in ClinVar:

ClinVar aggregate classification (germline): Uncertain significance (1 of 4 stars; one submission).

Conditions:
Congenital myasthenic syndrome 8. Also called: MYASTHENIC SYNDROME, CONGENITAL, DUE TO AGRIN DEFICIENCY; Myasthenic syndrome, congenital, 8, with pre- and postsynaptic defects. Identifiers: Orphanet 590, MedGen C3808739, MONDO:0014052, OMIM 615120.

Allele frequency attached by ClinVar (database versions not stated): gnomAD exomes below 0.00001.
gnomAD v4.1: 1 of 1,610,064 alleles (0.000062%); highest among the groups gnomAD compares: African/African-American, 0.0013%; no homozygotes.

Submission:

Labcorp Genetics (formerly Invitae), Labcorp
Classification: Uncertain significance for Congenital myasthenic syndrome 8. Last evaluated: 2022-07-12. Review status: criteria provided, single submitter. Criteria: Invitae Variant Classification Sherloc (09022015). Collection method: clinical testing. Allele origin: germline.
Comment: In summary, the available evidence is currently insufficient to determine the role of this variant in disease. Therefore, it has been classified as a Variant of Uncertain Significance. This sequence change replaces proline, which is neutral and non-polar, with serine, which is neutral and polar, at codon 627 of the AGRN protein (p.Pro627Ser). This variant is present in population databases (no rsID available, gnomAD 0.007%). This variant has not been reported in the literature in individuals affected with AGRN-related conditions. ClinVar contains an entry for this variant (Variation ID: 655179). Algorithms developed to predict the effect of missense changes on protein structure and function are either unavailable or do not agree on the potential impact of this missense change (SIFT: "Deleterious"; PolyPhen-2: "Probably Damaging"; Align-GVGD: "Class C0").

NM_198576.4(AGRN):c.1879C>T (p.Pro627Ser)

Gene: AGRN (agrin; plus strand). Cytogenetic location: 1p36.33.
Variant type: single nucleotide variant.
Coding change: c.1879C>T on transcript NM_198576.4 (MANE Select); coding-DNA position 1879, C replaced by T.
Protein change: p.Pro627Ser; replaces proline 627 with serine.
Molecular consequence: missense variant.
Genome position (GRCh38, 1-based): chr1:1,043,903, C>T. VCF-style: chr1-1043903-C-T. GRCh37 (hg19) VCF-style: chr1-979283-C-T.
Other names: c.1879C>T, p.Pro627Ser (NM_001305275.2); c.1564C>T, p.Pro522Ser (NM_001364727.2); short protein forms P522S, P627S.
Identifiers: ClinVar variation 655179 (VCV000655179.7), dbSNP rs1180781232, ClinGen allele CA337834939.